The following is an entry in ClinVar:

ClinVar aggregate classification (germline): Likely benign (1 of 4 stars; one submission).

Conditions:
Glycine encephalopathy. Also called: Nonketotic hyperglycinemia; Non-ketotic hyperglycinemia. Identifiers: Orphanet 407, MedGen C0751748, MONDO:0011612, HP:0008288.

Allele frequency attached by ClinVar (database versions not stated): 1000 Genomes Project 30x 0.00094; 1000 Genomes Project 0.00100; TOPMed 0.00140; gnomAD 0.00147 and 0.00149; gnomAD exomes 0.00180; ESP Exome Variant Server 0.00184; ExAC 0.00194.
gnomAD v4.1: 3,503 of 1,609,924 alleles (0.22%); highest among the groups gnomAD compares: Non-Finnish European, 0.26%; 6 homozygotes.

Submissions (2):

Illumina Laboratory Services, Illumina
Classification: Likely benign for Glycine encephalopathy 1. Last evaluated: 2018-01-12. Review status: criteria provided, single submitter. Criteria: ICSL Variant Classification Criteria 13 December 2019. Collection method: clinical testing. Allele origin: germline.
Comment: This variant was observed in the ICSL laboratory as part of a predisposition screen in an ostensibly healthy population. It had not been previously curated by ICSL or reported in the Human Gene Mutation Database (HGMD: prior to June 1st, 2018), and was therefore a candidate for classification through an automated scoring system. Utilizing variant allele frequency, disease prevalence and penetrance estimates, and inheritance mode, an automated score was calculated to assess if this variant is too frequent to cause the disease. Based on the score and internal cut-off values, a variant classified as likely benign is not then subjected to further curation. The score for this variant resulted in a classification of likely benign for this disease.

Dr. Peter K. Rogan Lab, Western University
No classification provided (evidence only). Condition: Malignant tumor of urinary bladder. Review status: no classification provided. Collection method: in vitro. Allele origin: not applicable. Functional consequence: skipped exon. Not counted in ClinVar's aggregate classification.

NM_000481.4(AMT):c.*130G>T

Gene: AMT (aminomethyltransferase; minus strand). Cytogenetic location: 3p21.31.
Variant type: single nucleotide variant.
Coding change: c.*130G>T on transcript NM_000481.4 (MANE Select); 130 bases downstream of the stop codon, G replaced by T.
Molecular consequence: 3 prime UTR variant. On other transcripts: non-coding transcript variant (1), intron variant (1).
Genome position (GRCh38, 1-based): chr3:49,417,410, C>A on the plus strand (G>T on the coding strand, the complement: AMT is on the minus strand). VCF-style: chr3-49417410-C-A. GRCh37 (hg19) VCF-style: chr3-49454843-C-A.
Other names: NC_000003.11:g.49454843C>A; c.*130G>T (NM_001164710.2, NM_001164711.2); c.1138-43G>T (NM_001164712.2).
Identifiers: ClinVar variation 346027 (VCV000346027.6), dbSNP rs143731179, ClinGen allele CA2398105.
Genomic context (GRCh38, chr3:49,417,410, plus strand): 5'-GCAGGGTCCTGAAGGAAGCTGGAATGGCATGAGTTAGGTGGGGGGAATAGGTGGTGTGGC[C>A]CCTCAACCAGACAATTAGAATCAGCCTCCACCTTAACTGCCCACCCCCAGTGAGTTCTGC-3'